The following is an entry in ClinVar:

NM_024877.4(CCNP):c.89G>A (p.Ser30Asn)

Gene: CCNP (cyclin P; minus strand). Cytogenetic location: 19q13.2.
Variant type: single nucleotide variant.
Coding change: c.89G>A on transcript NM_024877.4 (MANE Select); coding-DNA position 89, G replaced by A.
Protein change: p.Ser30Asn; replaces serine 30 with asparagine.
Molecular consequence: missense variant.
Genome position (GRCh38, 1-based): chr19:40,226,553, C>T on the plus strand (G>A on the coding strand, the complement: CCNP is on the minus strand). VCF-style: chr19-40226553-C-T. GRCh37 (hg19) VCF-style: chr19-40732460-C-T.
Other names: c.89G>A, p.Ser30Asn (NM_001144029.1, NM_001411133.1); short protein forms S30N.
Identifiers: ClinVar variation 3056810 (VCV003056810.2), dbSNP rs200091528, ClinGen allele CA9441319.
Genomic context (GRCh38, chr19:40,226,553, plus strand): 5'-GCGGGGAAGCCGTCGGGGACTGCGGCGCTTGAAGGCTCTGCGTCGAGGGAGGCAGCGAGA[C>T]TCTGCAAAGGAGAGGGCCTGGGGGCCCAGCGCCTAACGATAGGCCCGAGCCGGGAGCCGG-3'
Protein context (NP_079153.2, residues 20-40): RWAPRPSPLQ[Ser30Asn]LAASLDAEPS

ClinVar aggregate classification (germline): Likely benign (0 of 4 stars; one submission).

Conditions:
CCNP-related disorder. Also called: CCNP-related condition.

Allele frequency attached by ClinVar (database versions not stated): 1000 Genomes Project 30x 0.00078; 1000 Genomes Project 0.00100; gnomAD 0.00262; TOPMed 0.00290; ESP Exome Variant Server 0.00357; ExAC 0.00377; gnomAD exomes 0.00403.

Submission:

PreventionGenetics, part of Exact Sciences
Classification: Likely benign for CCNP-related condition. Last evaluated: 2022-02-01. Review status: no assertion criteria provided. Collection method: clinical testing. Allele origin: germline.
Comment: This variant is classified as likely benign based on ACMG/AMP sequence variant interpretation guidelines (Richards et al. 2015 PMID: 25741868, with internal and published modifications).